The following is an entry in ClinVar:

NM_144997.7(FLCN):c.1150G>T (p.Val384Phe)

Gene: FLCN (folliculin; minus strand). Cytogenetic location: 17p11.2.
Variant type: single nucleotide variant.
Coding change: c.1150G>T on transcript NM_144997.7 (MANE Select); coding-DNA position 1150, G replaced by T.
Protein change: p.Val384Phe; replaces valine 384 with phenylalanine.
Molecular consequence: missense variant.
Genome position (GRCh38, 1-based): chr17:17,217,095, C>A on the plus strand (G>T on the coding strand, the complement: FLCN is on the minus strand). VCF-style: chr17-17217095-C-A. GRCh37 (hg19) VCF-style: chr17-17120409-C-A.
Other names: c.1204G>T, p.Val402Phe (NM_001353229.2); c.1150G>T, p.Val384Phe (NM_001353230.2, NM_001353231.2); short protein forms V402F, V384F.
Identifiers: ClinVar variation 1734040 (VCV001734040.2), dbSNP rs779913370, ClinGen allele CA398532184.

ClinVar aggregate classification (germline): Uncertain significance (1 of 4 stars; one submission).

Conditions:
Hereditary cancer-predisposing syndrome. Also called: Neoplastic Syndromes, Hereditary; Tumor predisposition; Hereditary Cancer Syndrome; Hereditary neoplastic syndrome. Identifiers: Orphanet 140162, MedGen C0027672, MeSH D009386, MONDO:0015356.

Submission:

Ambry Genetics
Classification: Uncertain significance for Hereditary cancer-predisposing syndrome. Last evaluated: 2022-05-13. Review status: criteria provided, single submitter. Criteria: Ambry Variant Classification Scheme 2023. Collection method: clinical testing. Allele origin: germline.
Comment: The p.V384F variant (also known as c.1150G>T), located in coding exon 7 of the FLCN gene, results from a G to T substitution at nucleotide position 1150. The valine at codon 384 is replaced by phenylalanine, an amino acid with highly similar properties. This amino acid position is conserved. In addition, this alteration is predicted to be deleterious by in silico analysis. Since supporting evidence is limited at this time, the clinical significance of this alteration remains unclear.